The following is an entry in ClinVar:

ClinVar aggregate classification (germline): Pathogenic (1 of 4 stars; one submission).

Submission:

Labcorp Genetics (formerly Invitae), Labcorp
Classification: Pathogenic. Last evaluated: 2026-01-21. Review status: criteria provided, single submitter. Criteria: Invitae Variant Classification Sherloc (09022015). Collection method: clinical testing. Allele origin: germline.
Comment: This sequence change creates a premature translational stop signal (p.Thr830Profs*21) in the SLC4A1 gene. It is expected to result in an absent or disrupted protein product. Loss-of-function variants in SLC4A1 are known to be pathogenic (PMID: 8943874, 10926824, 23255290). This variant is not present in population databases (gnomAD no frequency). This variant has not been reported in the literature in individuals affected with SLC4A1-related conditions. ClinVar contains an entry for this variant (Variation ID: 2738214). For these reasons, this variant has been classified as Pathogenic.

Literature cited by the submitters: PubMed 8943874; PubMed 10926824; PubMed 23255290.

NM_000342.4(SLC4A1):c.2487del (p.Thr830fs)

Gene: SLC4A1 (solute carrier family 4 member 1 (Diego blood group); minus strand). Cytogenetic location: 17q21.31.
Variant type: Deletion.
Coding change: c.2487del on transcript NM_000342.4 (MANE Select); coding-DNA position 2487, one base deleted (G; older notation c.2487delG).
Protein change: p.Thr830fs; shifts the reading frame from threonine 830.
Molecular consequence: frameshift variant.
Genome position (GRCh38, 1-based): chr17:44,251,327, C deleted on the plus strand (G on the coding strand, the reverse complement: SLC4A1 is on the minus strand). VCF-style (leftmost placement, unchanged base first): chr17-44251326-TC-T. GRCh37 (hg19) VCF-style: chr17-42328694-TC-T.
Other names: short protein forms T830fs.
Identifiers: ClinVar variation 2738214 (VCV002738214.3), dbSNP rs2509958533, ClinGen allele CA2697559945.
Genomic context (GRCh38, chr17:44,251,326, plus strand): 5'-CCACCCACAGCACTGCCAGGCAGATGATCTGGATGCCCGTGAATAAGTGCATGCGCCAGG[TC>T]TTCACCTGCAGGCGGAGGCTGGGGTCAGTGCCTATCACACCCCAGCACCCTCTACCACCC-3'